The following is an entry in ClinVar:

NM_002354.3(EPCAM):c.709G>T (p.Gly237Trp)

Gene: EPCAM (epithelial cell adhesion molecule; plus strand). Cytogenetic location: 2p21.
Variant type: single nucleotide variant.
Coding change: c.709G>T on transcript NM_002354.3 (MANE Select); coding-DNA position 709, G replaced by T.
Protein change: p.Gly237Trp; replaces glycine 237 with tryptophan.
Molecular consequence: missense variant.
Genome position (GRCh38, 1-based): chr2:47,379,820, G>T. VCF-style: chr2-47379820-G-T. GRCh37 (hg19) VCF-style: chr2-47606959-G-T.
Other names: short protein forms G237W.
Identifiers: ClinVar variation 3845315 (VCV003845315.1).

ClinVar aggregate classification (germline): Uncertain significance (1 of 4 stars; one submission).

Conditions:
Hereditary cancer-predisposing syndrome. Also called: Hereditary neoplastic syndrome; Neoplastic Syndromes, Hereditary; Tumor predisposition; Hereditary Cancer Syndrome. Identifiers: Orphanet 140162, MedGen C0027672, MeSH D009386, MONDO:0015356.

gnomAD v4.1: 1 of 1,613,990 alleles (0.000062%); highest among the groups gnomAD compares: Non-Finnish European, 0.000085%; no homozygotes.

Submission:

Ambry Genetics
Classification: Uncertain significance for Hereditary cancer-predisposing syndrome. Last evaluated: 2025-03-10. Review status: criteria provided, single submitter. Criteria: Ambry Variant Classification Scheme 2023. Collection method: clinical testing. Allele origin: germline.
Comment: The p.G237W variant (also known as c.709G>T), located in coding exon 7 of the EPCAM gene, results from a G to T substitution at nucleotide position 709. The glycine at codon 237 is replaced by tryptophan, an amino acid with highly dissimilar properties. This amino acid position is conserved. In addition, the in silico prediction for this alteration is inconclusive. Based on the available evidence, the clinical significance of this variant remains unclear.